The following is an entry in ClinVar:

ClinVar aggregate classification (germline): Uncertain significance. Review status: reviewed by expert panel (3 of 4 stars). 25 submissions from 23 submitters: Uncertain significance (1). 24 of the submissions do not count toward it. Last evaluated 2024-06-25.

Conditions:
Inherited phaeochromocytoma and paraganglioma excluding NF1.
VHL-related disorder. Also called: VHL-related condition.
Au-Kline syndrome. Also called: Neurodevelopmental disorder-craniofacial dysmorphism-cardiac defect-hip dysplasia syndrome due to a point mutation; Okamoto syndrome. Identifiers: Orphanet 2729, Orphanet 453499, Orphanet 453504, MedGen C4225274, MONDO:0014700, OMIM 616580.
Hereditary cancer-predisposing syndrome. Also called: Neoplastic Syndromes, Hereditary; Tumor predisposition; Hereditary Cancer Syndrome; Hereditary neoplastic syndrome. Identifiers: Orphanet 140162, MedGen C0027672, MeSH D009386, MONDO:0015356.
Von Hippel-Lindau syndrome (VHLS). Also called: VHL syndrome; Von Hippel-Lindau; von Hippel–Lindau syndrome. Identifiers: Orphanet 892, MedGen C0019562, MONDO:0008667, OMIM 193300. Disease mechanism: loss of function.
Chuvash polycythemia. Also called: POLYCYTHEMIA, VHL-DEPENDENT. Identifiers: Orphanet 238557, MedGen C1837915, MONDO:0009892, OMIM 263400.
Pheochromocytoma. Also called: MAX-Related Hereditary Paraganglioma-Pheochromocytoma Syndrome. Identifiers: Orphanet 29072, MedGen C0031511, MONDO:0008233, OMIM 171300, HP:0002666.

Allele frequency attached by ClinVar (database versions not stated): TOPMed 0.00001; ExAC 0.00002; gnomAD exomes 0.00002; gnomAD 0.00004.

Submissions 1 to 5 of 25:

ClinGen VHL Variant Curation Expert Panel, ClinGen
Classification: Uncertain significance for Von Hippel-Lindau syndrome. Last evaluated: 2024-06-25. Review status: reviewed by expert panel. Criteria: ClinGen VHL VCEP ACMG Specifications VHL V1. Collection method: curation. Allele origin: germline. Inheritance: Autosomal dominant inheritance.
Comment: The variant NM_000551.4(VHL):c.562C>G (p.Leu188Val) is a missense variant predicted to cause substitution of Valine for Leucine at position 188. The GroupMax Filtering Allele Frequency (95% CI) in gnomAD v4.1.0 is 0.00002474 (39/1180038 from European, Non-Finnish Population). This is higher than the ClinGen VHL VCEP threshold of >=0.0000156 (0.00156%) threshold expected for VHL disease (BS1). From pooled laboratory data: 105 probands carried this variant, and none met Danish criteria for VHL. 18/105 had a single VHL feature. 27 known carriers were 60+ years old and did not have VHL phenotypes. At least 11 of those 60+ without VHL features had no VHL features reported in the family history (BS2), while 8 had VHL features reported in family history (including a carrier relative who met diagnostic VHL criteria). In most functional studies reviewed, results for this variant were consistent with aberrant extra cellular matrix formation / fibronectin assembly (PMIDs: 19602254, 16452184, 17700531, 15574766, 16585181, 11331612, 18567581). However, for HIF1/2 alpha interaction/regulation and VCB complex formation/stability, most studies showed intact function with some slight effects on complex stability. (PMIDs: 30890701 ,15574766, 12944410, 10878807, 16585181, 19030229, 11331612, 11331613, 19228690, 16452184, 23772956, 19602254.) (PS3_Supporting). The L188V variant is located within the alpha domain (156-192), a key functional domain of VHL (PM1). The computational predictor REVEL gives a score of 0.796, which is above the threshold of >=0.664, evidence that correlates with impact to VHL function (PP3). In summary, this variant meets the criteria to be classified as Uncertain for autosomal-dominant von Hippel Lindau syndrome (VHL syndrome) based on the ACMG/AMP criteria applied, as specified by the ClinGen VHL VCEP Version 1.0 (Specifications approval date: 02/26/2024. Variant Approval Date 06/25/2024). Note: This variant has been reported as a putative low penetrance VHL type 2C variant; however at this time, the VHL VCEP does not have low-penetrance specific classification recommendations (see ClinGen Low Penetrance / Risk Allele Working Group).

PreventionGenetics, part of Exact Sciences
Classification: Likely pathogenic for VHL-related condition. Last evaluated: 2026-07-16. Review status: criteria provided, single submitter. Criteria: ACMG Guidelines, 2015. Collection method: clinical testing. Allele origin: germline. Not counted in ClinVar's aggregate classification.
Comment: The VHL c.562C>G variant is predicted to result in the amino acid substitution p.Leu188Val. This variant has been reported in several individuals with Von Hippel-Lindau syndrome or pheochromocytoma, and has shown to co-segregate with the disease in multiple families (Neumann et al. 1995. PubMed ID: 7563486; Lorenzo et al. 2013. PubMed ID: 23772956; Neumann et al. 2002. PubMed ID: 12000816; Weirich et al. 2002. PubMed ID: 12414898). This variant has also been identified in adult individuals with no known VHL-related tumors, suggesting that it may be associated with reduced penetrance (Savatt et al. 2022. PubMed ID: 35668420; Trinh et al. 2025. PubMed ID: 40063608). Functional studies have produced variable results, but on whole suggest a reduction in protein function (see for example, Hoffman et al. 2001. PubMed ID: 11331612; Knauth et al. 2009. PubMed ID: 19228690; Lorenzo et al. 2013. PubMed ID: 23772956; Bangiyeva et al. 2009. PubMed ID: 19602254). This variant is reported in 0.0039% of alleles in individuals of European (Non-Finnish) descent in gnomAD and has conflicting classifications listed in ClinVar ranging from uncertain to pathogenic (ClinVar ID: 2225﻿). This variant is interpreted as likely pathogenic.

NHS Central & South Genomic Laboratory Hub
Classification: Uncertain significance for Inherited phaeochromocytoma and paraganglioma excluding NF1. Last evaluated: 2026-04-22. Review status: criteria provided, single submitter. Criteria: ACMG Guidelines, 2015. Collection method: clinical testing. Allele origin: germline. Affected: yes. Not counted in ClinVar's aggregate classification.

Labcorp Genetics (formerly Invitae), Labcorp
Classification: Pathogenic for Von Hippel-Lindau syndrome; Chuvash polycythemia. Last evaluated: 2025-11-24. Review status: criteria provided, single submitter. Criteria: Invitae Variant Classification Sherloc (09022015). Collection method: clinical testing. Allele origin: germline. Not counted in ClinVar's aggregate classification.
Comment: This sequence change replaces leucine, which is neutral and non-polar, with valine, which is neutral and non-polar, at codon 188 of the VHL protein (p.Leu188Val). This variant is present in population databases (rs5030824, gnomAD 0.006%). This missense change has been observed in individuals with clinical features of autosomal dominant von Hippel-Lindau disease as well as unaffected individuals (PMID: 7563486, 7987306, 8772572, 12000816; external communication, internal data). It has also been observed to segregate with disease in related individuals. This variant has been reported in individual(s) with polycythemia (PMID: 12844285, 15642680, 23772956); however, the role of the variant in this condition is currently unclear. This variant is also known as Leu259Val, Leu229Val, and C775G. ClinVar contains an entry for this variant (Variation ID: 2225). Invitae Evidence Modeling of protein sequence and biophysical properties (such as structural, functional, and spatial information, amino acid conservation, physicochemical variation, residue mobility, and thermodynamic stability) indicates that this missense variant is expected to disrupt VHL protein function with a positive predictive value of 95%. Experimental studies have shown that this missense change affects VHL function (PMID: 11331612, 16452184, 18567581, 19228690, 23772956). For these reasons, this variant has been classified as Pathogenic.

Color Diagnostics, LLC DBA Color Health
Classification: Likely pathogenic for Von Hippel-Lindau syndrome. Last evaluated: 2025-09-04. Review status: criteria provided, single submitter. Criteria: ACMG Guidelines, 2015. Collection method: clinical testing. Allele origin: germline. Not counted in ClinVar's aggregate classification.
Comment: This missense variant replaces leucine with valine at codon 188 of the VHL protein. Computational prediction suggests that this variant may have deleterious impact on protein structure and function. Functional studies have reported that this variant specifically impacts VHL function in the regulation of extracelluar matrix assembly, reduces VHL protein expression and impairs its normal role in the suppression of tumorigenesis and angiogenesis (PMID: 11331612, 16452184, 19228690, 19602254) and impacts VHL in a haploid cell proliferation assay (PMID: 38969834). This variant has been reported in multiple individuals of three related families affected with VHL type 2C (PMID: 7563486, 8707293, 8772572) in which the families may represent two branches of one German family (PMID: 7563486, 12414898). This variant also has been detected in an individual affected with clear cell renal cell carcinoma (PMID: 34628056). This variant was found to segregate with pheochromocytoma (PMID: 8772572, 12414898). This variant has been identified in 39/1614072 chromosomes in the general population by the Genome Aggregation Database (gnomAD), as well as a significant amount of individuals unaffected by VHL-associated disease (ClinVar SCV000664527.7, SCV005187297.1). This variant may have reduced penetrance, and such a variant is outside the current guidelines established by the ClinGen VHL VCEP (Clinvar SCV005187297.1). Medical management should be considered based on the individual's personal and family history. Based on the available evidence, this variant is classified as Likely Pathogenic.

NM_000551.4(VHL):c.562C>G (p.Leu188Val)

Genes: VHL (von Hippel-Lindau tumor suppressor; plus strand), LOC107303340 (3p25 von Hippel-Lindau tumor suppressor, E3 ubiquitin protein ligase Alu-mediated recombination region; plus strand). Cytogenetic location: 3p25.3.
Variant type: single nucleotide variant.
Coding change: c.562C>G on transcript NM_000551.4 (MANE Select); coding-DNA position 562, C replaced by G.
Protein change: p.Leu188Val; replaces leucine 188 with valine.
Molecular consequence: missense variant. On other transcripts: 3 prime UTR variant (1).
Genome position (GRCh38, 1-based): chr3:10,149,885, C>G. VCF-style: chr3-10149885-C-G. GRCh37 (hg19) VCF-style: chr3-10191569-C-G.
Other names: NM_000551.4(VHL):c.562C>G; c.*116C>G (NM_001354723.2); c.439C>G, p.Leu147Val (NM_198156.3); short protein forms L188V, L147V.
Identifiers: ClinVar variation 2225 (VCV000002225.76), dbSNP rs5030824, ClinGen allele CA020488.